The following is an entry in ClinVar:

ClinVar aggregate classification (germline): Uncertain significance. Review status: criteria provided, multiple submitters, no conflicts (2 of 4 stars). 2 submissions from 2 submitters: Uncertain significance (2). Last evaluated 2021-09-01.

Conditions:
Inborn genetic diseases. Identifiers: MedGen C0950123, MeSH D030342.

Allele frequency attached by ClinVar (database versions not stated): gnomAD 0.00004; gnomAD exomes 0.00005; TOPMed 0.00005; ExAC 0.00004.
gnomAD v4.1: 39 of 1,613,040 alleles (0.0024%); highest among the groups gnomAD compares: Admixed American, 0.01%; no homozygotes.

Submissions (2):

Labcorp Genetics (formerly Invitae), Labcorp
Classification: Uncertain significance. Last evaluated: 2021-09-01. Review status: criteria provided, single submitter. Criteria: Invitae Variant Classification Sherloc (09022015). Collection method: clinical testing. Allele origin: germline.
Comment: This sequence change replaces glycine with arginine at codon 1309 of the MYO5B protein (p.Gly1309Arg). The glycine residue is highly conserved and there is a moderate physicochemical difference between glycine and arginine. This variant is present in population databases (rs749567358, ExAC 0.03%). This variant has not been reported in the literature in individuals affected with MYO5B-related conditions. Algorithms developed to predict the effect of missense changes on protein structure and function are either unavailable or do not agree on the potential impact of this missense change (SIFT: "Deleterious"; PolyPhen-2: "Probably Damaging"; Align-GVGD: "Class C15"). In summary, the available evidence is currently insufficient to determine the role of this variant in disease. Therefore, it has been classified as a Variant of Uncertain Significance.

Ambry Genetics
Classification: Uncertain significance for Inborn genetic diseases. Last evaluated: 2021-07-14. Review status: criteria provided, single submitter. Criteria: Ambry Variant Classification Scheme 2023. Collection method: clinical testing. Allele origin: germline.

NM_001080467.3(MYO5B):c.3925G>A (p.Gly1309Arg)

Gene: MYO5B (myosin VB; minus strand). Cytogenetic location: 18q21.1.
Variant type: single nucleotide variant.
Coding change: c.3925G>A on transcript NM_001080467.3 (MANE Select); coding-DNA position 3925, G replaced by A.
Protein change: p.Gly1309Arg; replaces glycine 1309 with arginine.
Molecular consequence: missense variant.
Genome position (GRCh38, 1-based): chr18:49,863,246, C>T on the plus strand (G>A on the coding strand, the complement: MYO5B is on the minus strand). VCF-style: chr18-49863246-C-T. GRCh37 (hg19) VCF-style: chr18-47389616-C-T.
Other names: c.3925G>A (NM_001080467.2); short protein forms G1309R.
Identifiers: ClinVar variation 1450907 (VCV001450907.6), dbSNP rs749567358, ClinGen allele CA8960538.
Genomic context (GRCh38, chr18:49,863,246, plus strand): 5'-TCCGCGGCCTCGTCCAGCACATTTGACCGCGGCGGCCTTACCTGTTTGTCTGGCAGACCC[C>T]GTGATAGGCCTCAATGGCATCCTCCTGGTCAACATGCTTTTCACTGTTAGGCCAACTTGA-3'
Protein context (NP_001073936.1, residues 1299-1319): DQEDAIEAYH[Gly1309Arg]VCQTNSKTED